The following is an entry in ClinVar:

ClinVar aggregate classification (germline): Uncertain significance (1 of 4 stars; one submission).

Conditions:
Pallister-Hall syndrome (PHS). Also called: GLI3-Related Pallister-Hall Syndrome; HYPOTHALAMIC HAMARTOBLASTOMA, HYPOPITUITARISM, IMPERFORATE ANUS, AND POSTAXIAL POLYDACTYLY. Identifiers: Orphanet 672, MedGen C0265220, MONDO:0007804, OMIM 146510.
Greig cephalopolysyndactyly syndrome (GCPS). Also called: POLYSYNDACTYLY WITH PECULIAR SKULL SHAPE; Greig syndrome; GLI3-Related Greig Cephalopolysyndactyly Syndrome. Identifiers: Orphanet 380, MedGen C0265306, MONDO:0008287, OMIM 175700.

Submission:

Labcorp Genetics (formerly Invitae), Labcorp
Classification: Uncertain significance for Pallister-Hall syndrome; Greig cephalopolysyndactyly syndrome. Last evaluated: 2025-12-15. Review status: criteria provided, single submitter. Criteria: Invitae Variant Classification Sherloc (09022015). Collection method: clinical testing. Allele origin: germline.
Comment: This sequence change replaces threonine, which is neutral and polar, with isoleucine, which is neutral and non-polar, at codon 1239 of the GLI3 protein (p.Thr1239Ile). This variant is not present in population databases (gnomAD no frequency). This variant has not been reported in the literature in individuals affected with GLI3-related conditions. Invitae Evidence Modeling of protein sequence and biophysical properties (such as structural, functional, and spatial information, amino acid conservation, physicochemical variation, residue mobility, and thermodynamic stability) indicates that this missense variant is not expected to disrupt GLI3 protein function with a negative predictive value of 95%. In summary, the available evidence is currently insufficient to determine the role of this variant in disease. Therefore, it has been classified as a Variant of Uncertain Significance.

NM_000168.6(GLI3):c.3716C>T (p.Thr1239Ile)

Gene: GLI3 (GLI family zinc finger 3; minus strand). Cytogenetic location: 7p14.1.
Variant type: single nucleotide variant.
Coding change: c.3716C>T on transcript NM_000168.6 (MANE Select); coding-DNA position 3716, C replaced by T.
Protein change: p.Thr1239Ile; replaces threonine 1239 with isoleucine.
Molecular consequence: missense variant.
Genome position (GRCh38, 1-based): chr7:41,965,357, G>A on the plus strand (C>T on the coding strand, the complement: GLI3 is on the minus strand). VCF-style: chr7-41965357-G-A. GRCh37 (hg19) VCF-style: chr7-42004955-G-A.
Other names: short protein forms T1239I.
Identifiers: ClinVar variation 4783600 (VCV004783600.1).
Genomic context (GRCh38, chr7:41,965,357, plus strand): 5'-TTGAGACAGTTCCCATACTGCGGGGCCTTACAGGGCTGTTCATGGAAGGCGTTTCCACTG[G>A]TGCCACTTCCGGGGCTGTTGTGGAGCATCAAGTGCTCTGGGCCACCGTAGGGGTTGCTGT-3'
Protein context (NP_000159.3, residues 1229-1249): LMLHNSPGSG[Thr1239Ile]SGNAFHEQPC